The following is an entry in ClinVar:

NM_205836.3(FBXO38):c.2474C>G (p.Ser825Cys)

Gene: FBXO38 (F-box protein 38; plus strand). Cytogenetic location: 5q32.
Variant type: single nucleotide variant.
Coding change: c.2474C>G on transcript NM_205836.3 (MANE Select); coding-DNA position 2474, C replaced by G.
Protein change: p.Ser825Cys; replaces serine 825 with cysteine.
Molecular consequence: missense variant. On other transcripts: intron variant (2).
Genome position (GRCh38, 1-based): chr5:148,427,768, C>G. VCF-style: chr5-148427768-C-G. GRCh37 (hg19) VCF-style: chr5-147807331-C-G.
Other names: c.2428+46C>G (NM_030793.5); c.1918+2067C>G (NM_001271723.2); short protein forms S825C.
Identifiers: ClinVar variation 1791818 (VCV001791818.2), dbSNP rs1753806884, ClinGen allele CA361657854.
Genomic context (GRCh38, chr5:148,427,768, plus strand): 5'-TGAATGGCCCGGATGGTACGAGATCCGCCTTTTCCTTTAGGACTCTGCCACAAGGGGGGT[C>G]TTCAGGCCCAGCACATGATGAGAGGACTAATGGGAGTGGCTCTGGGGCTACAGGTGAGGA-3'
Protein context (NP_995308.1, residues 815-835): FSFRTLPQGG[Ser825Cys]SGPAHDERTN

ClinVar aggregate classification (germline): Uncertain significance (1 of 4 stars; one submission).

Allele frequency attached by ClinVar (database versions not stated): gnomAD exomes below 0.00001.
gnomAD v4.1: 2 of 1,611,868 alleles (0.00012%); highest among the groups gnomAD compares: Non-Finnish European, 0.000085%; no homozygotes.

Submission:

Ambry Genetics
Classification: Uncertain significance. Last evaluated: 2019-11-21. Review status: criteria provided, single submitter. Criteria: Ambry Variant Classification Scheme 2023. Collection method: clinical testing. Allele origin: germline.
Comment: The p.S825C variant (also known as c.2474C>G), located in coding exon 14 of the FBXO38 gene, results from a C to G substitution at nucleotide position 2474. The serine at codon 825 is replaced by cysteine, an amino acid with dissimilar properties. This amino acid position is well conserved in available vertebrate species. In addition, this alteration is predicted to be tolerated by in silico analysis. Since supporting evidence is limited at this time, the clinical significance of this alteration remains unclear.